The following is an entry in ClinVar:

NM_006939.4(SOS2):c.1550A>C (p.Lys517Thr)

Gene: SOS2 (SOS Ras/Rho guanine nucleotide exchange factor 2; minus strand). Cytogenetic location: 14q21.3.
Variant type: single nucleotide variant.
Coding change: c.1550A>C on transcript NM_006939.4 (MANE Select); coding-DNA position 1550, A replaced by C.
Protein change: p.Lys517Thr; replaces lysine 517 with threonine.
Molecular consequence: missense variant.
Genome position (GRCh38, 1-based): chr14:50,159,733, T>G on the plus strand (A>C on the coding strand, the complement: SOS2 is on the minus strand). VCF-style: chr14-50159733-T-G. GRCh37 (hg19) VCF-style: chr14-50626451-T-G.
Other names: c.1550A>C (NM_006939.2); short protein forms K517T.
Identifiers: ClinVar variation 1495360 (VCV001495360.9), dbSNP rs367970301, ClinGen allele CA7177270.

ClinVar aggregate classification (germline): Uncertain significance. Review status: criteria provided, multiple submitters, no conflicts (2 of 4 stars). 3 submissions from 3 submitters: Uncertain significance (3). Last evaluated 2025-11-27.

Conditions:
Noonan syndrome 9 (NS9). Identifiers: Orphanet 648, MedGen C4225282, MONDO:0014691, OMIM 616559.
Cardiovascular phenotype. Identifiers: MedGen CN230736.

Allele frequency attached by ClinVar (database versions not stated): ESP Exome Variant Server 0.00008; ExAC 0.00001.
gnomAD v4.1: 5 of 1,614,010 alleles (0.00031%); highest among the groups gnomAD compares: Non-Finnish European, 0.00042%; no homozygotes.

Submissions (3):

Labcorp Genetics (formerly Invitae), Labcorp
Classification: Uncertain significance for Noonan syndrome 9. Last evaluated: 2025-11-27. Review status: criteria provided, single submitter. Criteria: Invitae Variant Classification Sherloc (09022015). Collection method: clinical testing. Allele origin: germline.
Comment: This sequence change replaces lysine, which is basic and polar, with threonine, which is neutral and polar, at codon 517 of the SOS2 protein (p.Lys517Thr). This variant is present in population databases (rs367970301, gnomAD 0.007%). This variant has not been reported in the literature in individuals affected with SOS2-related conditions. ClinVar contains an entry for this variant (Variation ID: 1495360). Invitae Evidence Modeling of protein sequence and biophysical properties (such as structural, functional, and spatial information, amino acid conservation, physicochemical variation, residue mobility, and thermodynamic stability) indicates that this missense variant is not expected to disrupt SOS2 protein function with a negative predictive value of 95%. In summary, the available evidence is currently insufficient to determine the role of this variant in disease. Therefore, it has been classified as a Variant of Uncertain Significance.

Dasa
Classification: Uncertain significance. Last evaluated: 2025-11-21. Review status: criteria provided, single submitter. Criteria: DASA Assertion Criteria. Collection method: clinical testing. Allele origin: germline.
Comment: NM_006939.4(SOS2):c.1550A>C (p.Lys517Thr) is a missense variant that results in the substitution of lysine with threonine. This variant is rare in population databases. The currently available literature and clinical evidence are not sufficient to establish a definitive association between this variant and the reported condition. Therefore, this variant is classified as a variant of uncertain significance.

Ambry Genetics
Classification: Uncertain significance for Cardiovascular phenotype. Last evaluated: 2024-10-07. Review status: criteria provided, single submitter. Criteria: Ambry Variant Classification Scheme 2023. Collection method: clinical testing. Allele origin: germline.
Comment: The p.K517T variant (also known as c.1550A>C), located in coding exon 10 of the SOS2 gene, results from an A to C substitution at nucleotide position 1550. The lysine at codon 517 is replaced by threonine, an amino acid with similar properties. This amino acid position is conserved. In addition, the in silico prediction for this alteration is inconclusive. Based on the available evidence, the clinical significance of this variant remains unclear.